The following is an entry in ClinVar:

ClinVar aggregate classification (germline): Conflicting classifications of pathogenicity. Review status: criteria provided, conflicting classifications (1 of 4 stars). 8 submissions from 6 submitters: Uncertain significance (6); Benign (1). 1 of the submissions does not count toward it. Last evaluated 2025-11-01.

Conditions:
Complement component 3 deficiency. Identifiers: Orphanet 280133, MedGen C3151071, MONDO:0013417, OMIM 613779.
Atypical hemolytic-uremic syndrome with C3 anomaly. Also called: AHUS, SUSCEPTIBILITY TO, 5. Identifiers: Orphanet 2134, MedGen C2752037, MONDO:0013043, OMIM 612925.
Age related macular degeneration 9. Identifiers: MedGen C1969651, MONDO:0012659, OMIM 611378.
Atypical hemolytic-uremic syndrome. Identifiers: Orphanet 2134, MedGen C2931788, MONDO:0016244.

Allele frequency attached by ClinVar (database versions not stated): ESP Exome Variant Server 0.00008; ExAC 0.00009; TOPMed 0.00009; gnomAD 0.00011; gnomAD exomes 0.00011 and 0.00015.
gnomAD v4.1: 173 of 1,613,908 alleles (0.011%); highest among the groups gnomAD compares: Admixed American, 0.038%; no homozygotes.

Submissions (8):

Labcorp Genetics (formerly Invitae), Labcorp
Classification: Uncertain significance. Last evaluated: 2025-11-01. Review status: criteria provided, single submitter. Criteria: Invitae Variant Classification Sherloc (09022015). Collection method: clinical testing. Allele origin: germline.
Comment: This sequence change replaces threonine, which is neutral and polar, with asparagine, which is neutral and polar, at codon 1383 of the C3 protein (p.Thr1383Asn). This variant is present in population databases (rs139100972, gnomAD 0.04%). This missense change has been observed in individual(s) with atypical hemolytic uremic syndrome (PMID: 20595690, 25608561, 28752844, 32424742, 33270832). This variant is also known as T1361N. ClinVar contains an entry for this variant (Variation ID: 633670). Invitae Evidence Modeling of protein sequence and biophysical properties (such as structural, functional, and spatial information, amino acid conservation, physicochemical variation, residue mobility, and thermodynamic stability) has been performed for this missense variant. However, the output from this modeling did not meet the statistical confidence thresholds required to predict the impact of this variant on C3 protein function. Experimental studies have shown that this missense change does not substantially affect C3 function (PMID: 25608561). In summary, the available evidence is currently insufficient to determine the role of this variant in disease. Therefore, it has been classified as a Variant of Uncertain Significance.

Mayo Clinic Laboratories, Mayo Clinic
Classification: Uncertain significance. Last evaluated: 2025-10-10. Review status: criteria provided, single submitter. Criteria: ACMG Guidelines, 2015. Collection method: clinical testing. Allele origin: germline. Observed: 2 variant alleles.
Comment: BP4_moderate

Genomenon, Inc
Classification: Uncertain significance for Atypical hemolytic-uremic syndrome. Last evaluated: 2025-09-30. Review status: criteria provided, single submitter. Criteria: Genomenon Sequence Variant Interpretation Standards. Collection method: curation. Allele origin: germline. Affected: yes.
Comment: C3 p.Thr1383Asn (c.4148C>A) is a missense variant that changes the amino acid at residue 1383 from Threonine to Asparagine. This variant has been observed in at least one proband affected with atypical hemolytic-uremic syndrome (PMID:28752844;32424742;20595690;33270832). Functional studies have been reported; however, the significance of the findings remain unclear (PMID:25608561). It is absent or not present at a significant frequency in gnomAD. In silico models agree that this variant is not damaging. In conclusion, we classify C3 p.Thr1383Asn (c.4148C>A) as a variant of unknown significance.

Fulgent Genetics
Classification: Uncertain significance for Age related macular degeneration 9; Atypical hemolytic-uremic syndrome with C3 anomaly; Complement component 3 deficiency. Last evaluated: 2024-01-14. Review status: criteria provided, single submitter. Criteria: ACMG Guidelines, 2015. Collection method: clinical testing. Allele origin: germline.

Illumina Laboratory Services, Illumina
Classification: Benign for Atypical hemolytic-uremic syndrome with C3 anomaly. Last evaluated: 2017-04-28. Review status: criteria provided, single submitter. Criteria: ICSL Variant Classification Criteria 13 December 2019. Collection method: clinical testing. Allele origin: germline.
Comment: This variant was observed as part of a predisposition screen in an ostensibly healthy population. A literature search was performed for the gene, cDNA change, and amino acid change (where applicable). Publications were found based on this search. The evidence from the literature, in combination with allele frequency data from public databases where available, was sufficient to rule this variant out of causing disease. Therefore, this variant is classified as benign.

Illumina Laboratory Services, Illumina
Classification: Uncertain significance for Complement component 3 deficiency. Last evaluated: 2017-04-28. Review status: criteria provided, single submitter. Criteria: ICSL Variant Classification Criteria 13 December 2019. Collection method: clinical testing. Allele origin: germline.

Illumina Laboratory Services, Illumina
Classification: Uncertain significance for Age related macular degeneration 9. Last evaluated: 2017-04-28. Review status: criteria provided, single submitter. Criteria: ICSL Variant Classification Criteria 13 December 2019. Collection method: clinical testing. Allele origin: germline.

Gharavi Laboratory, Columbia University
Classification: Uncertain significance. Last evaluated: 2018-09-16. Review status: no assertion criteria provided. Criteria: ACMG Guidelines, 2015. Collection method: research. Allele origin: germline. Affected: no. Not counted in ClinVar's aggregate classification.

Literature cited by the submitters: PubMed 20595690 (cited by 4 submitters); PubMed 25608561 (cited by 4 submitters); PubMed 28752844 (cited by 3 submitters); PubMed 32424742 (cited by 3 submitters); PubMed 33270832 (cited by Labcorp Genetics (formerly Invitae), Labcorp and Genomenon, Inc); PubMed 30476936 (cited by Mayo Clinic Laboratories, Mayo Clinic); PubMed 34426522 (cited by Mayo Clinic Laboratories, Mayo Clinic).

NM_000064.4(C3):c.4148C>A (p.Thr1383Asn)

Gene: C3 (complement C3; minus strand). Cytogenetic location: 19p13.3.
Variant type: single nucleotide variant.
Coding change: c.4148C>A on transcript NM_000064.4 (MANE Select); coding-DNA position 4148, C replaced by A.
Protein change: p.Thr1383Asn; replaces threonine 1383 with asparagine.
Molecular consequence: missense variant.
Genome position (GRCh38, 1-based): chr19:6,684,412, G>T on the plus strand (C>A on the coding strand, the complement: C3 is on the minus strand). VCF-style: chr19-6684412-G-T. GRCh37 (hg19) VCF-style: chr19-6684423-G-T.
Other names: p.Thr1383Asn; short protein forms T1383N.
Identifiers: ClinVar variation 633670 (VCV000633670.15), dbSNP rs139100972, ClinGen allele CA9128504.